The following is an entry in ClinVar:

ClinVar aggregate classification (germline): Conflicting classifications of pathogenicity. Review status: criteria provided, conflicting classifications (1 of 4 stars). 4 submissions from 4 submitters: Uncertain significance (2); Likely benign (2). Last evaluated 2026-02-12.

Conditions:
Inborn genetic diseases. Identifiers: MedGen C0950123, MeSH D030342.
Immunodeficiency 104. Also called: Severe combined immunodeficiency, autosomal recessive, T cell-negative, B cell-positive, NK cell-positive; Severe Combined Immune Deficiency, Autosomal Recessive, TCell -Negative, B Cell-Positive, NK Cell-Positive, IL7R-Related; SCID, AUTOSOMAL RECESSIVE, T CELL-NEGATIVE, B CELL-POSITIVE, NK CELL-POSITIVE; IMMUNODEFICIENCY 104, SEVERE COMBINED. Identifiers: MedGen C5676890, MONDO:0012163, OMIM 608971.

Allele frequency attached by ClinVar (database versions not stated): 1000 Genomes Project 30x 0.00047; 1000 Genomes Project 0.00060; gnomAD 0.00072 and 0.00073; ExAC 0.00073; gnomAD exomes 0.00078 and 0.00160; TOPMed 0.00081; ESP Exome Variant Server 0.00085.
gnomAD v4.1: 2,408 of 1,613,584 alleles (0.15%); highest among the groups gnomAD compares: Non-Finnish European, 0.2%; 5 homozygotes.

Submissions (4):

Women's Health and Genetics/Laboratory Corporation of America, LabCorp
Classification: Uncertain significance. Last evaluated: 2026-02-12. Review status: criteria provided, single submitter. Criteria: LabCorp Variant Classification Summary - May 2015. Collection method: clinical testing. Allele origin: germline.
Comment: Variant summary: PTPRC c.1441A>G (p.Lys481Glu) results in a conservative amino acid change in the encoded protein sequence. Algorithms developed to predict the effect of missense changes on protein structure and function all suggest that this variant is likely to be tolerated. The variant allele was found at a frequency of 0.00078 in 251058 control chromosomes. This frequency is not significantly higher than estimated for disease-causing variants in PTPRC, allowing no conclusion about variant significance. To our knowledge, no occurrence of c.1441A>G in individuals affected with PTPRC-related conditions and no experimental evidence demonstrating its impact on protein function have been reported. ClinVar contains an entry for this variant (Variation ID: 575499). Based on the evidence outlined above, the variant was classified as uncertain significance.

Labcorp Genetics (formerly Invitae), Labcorp
Classification: Uncertain significance for Immunodeficiency 104. Last evaluated: 2026-01-19. Review status: criteria provided, single submitter. Criteria: Invitae Variant Classification Sherloc (09022015). Collection method: clinical testing. Allele origin: germline.
Comment: This sequence change replaces lysine, which is basic and polar, with glutamic acid, which is acidic and polar, at codon 481 of the PTPRC protein (p.Lys481Glu). This variant is present in population databases (rs61749266, gnomAD 0.1%), and has an allele count higher than expected for a pathogenic variant. This variant has not been reported in the literature in individuals affected with PTPRC-related conditions. ClinVar contains an entry for this variant (Variation ID: 575499). An algorithm developed to predict the effect of missense changes on protein structure and function outputs the following: PolyPhen-2: "Benign". The glutamic acid amino acid residue is found in multiple mammalian species, which suggests that this missense change does not adversely affect protein function. In summary, the available evidence is currently insufficient to determine the role of this variant in disease. Therefore, it has been classified as a Variant of Uncertain Significance.

Blueprint Genetics
Classification: Likely benign. Last evaluated: 2024-11-04. Review status: criteria provided, single submitter. Criteria: ACMG Guidelines, 2015. Collection method: clinical testing. Allele origin: germline.

Ambry Genetics
Classification: Likely benign for Inborn genetic diseases. Last evaluated: 2022-12-21. Review status: criteria provided, single submitter. Criteria: Ambry Variant Classification Scheme 2023. Collection method: clinical testing. Allele origin: germline.

NM_002838.5(PTPRC):c.1441A>G (p.Lys481Glu)

Gene: PTPRC (protein tyrosine phosphatase receptor type C; plus strand). Cytogenetic location: 1q32.1.
Variant type: single nucleotide variant.
Coding change: c.1441A>G on transcript NM_002838.5 (MANE Select); coding-DNA position 1441, A replaced by G.
Protein change: p.Lys481Glu; replaces lysine 481 with glutamic acid.
Molecular consequence: missense variant.
Genome position (GRCh38, 1-based): chr1:198,716,831, A>G. VCF-style: chr1-198716831-A-G. GRCh37 (hg19) VCF-style: chr1-198685960-A-G.
Other names: c.1435A>G (NM_002838.3); c.958A>G, p.Lys320Glu (NM_080921.4); short protein forms K481E, K320E.
Identifiers: ClinVar variation 575499 (VCV000575499.11), dbSNP rs61749266, ClinGen allele CA1314786.